The following is an entry in ClinVar:

NM_001172509.2(SATB2):c.1660G>A (p.Val554Ile)

Gene: SATB2 (SATB homeobox 2; minus strand). Cytogenetic location: 2q33.1.
Variant type: single nucleotide variant.
Coding change: c.1660G>A on transcript NM_001172509.2 (MANE Select); coding-DNA position 1660, G replaced by A.
Protein change: p.Val554Ile; replaces valine 554 with isoleucine.
Molecular consequence: missense variant.
Genome position (GRCh38, 1-based): chr2:199,308,840, C>T on the plus strand (G>A on the coding strand, the complement: SATB2 is on the minus strand). VCF-style: chr2-199308840-C-T. GRCh37 (hg19) VCF-style: chr2-200173563-C-T.
Other names: c.1660G>A, p.Val554Ile (NM_001172517.1, NM_015265.4); short protein forms V554I.
Identifiers: ClinVar variation 581209 (VCV000581209.13), dbSNP rs1201673032, ClinGen allele CA350384421.

ClinVar aggregate classification (germline): Conflicting classifications of pathogenicity. Review status: criteria provided, conflicting classifications (1 of 4 stars). 3 submissions from 3 submitters: Uncertain significance (2); Likely benign (1). Last evaluated 2025-03-03.

Conditions:
Inborn genetic diseases. Identifiers: MedGen C0950123, MeSH D030342.
Chromosome 2q32-q33 deletion syndrome (GLASS). Also called: 2q33.1 deletion syndrome; Glass syndrome. Identifiers: Orphanet 251019, MedGen C2676739, MONDO:0012864, OMIM 612313.

Allele frequency attached by ClinVar (database versions not stated): gnomAD exomes 0.00001; gnomAD 0.00003; TOPMed 0.00003.
gnomAD v4.1: 27 of 1,614,034 alleles (0.0017%); highest among the groups gnomAD compares: Non-Finnish European, 0.0021%; no homozygotes.

Submissions (3):

Labcorp Genetics (formerly Invitae), Labcorp
Classification: Uncertain significance for Chromosome 2q32-q33 deletion syndrome. Last evaluated: 2025-03-03. Review status: criteria provided, single submitter. Criteria: Invitae Variant Classification Sherloc (09022015). Collection method: clinical testing. Allele origin: germline.
Comment: This sequence change replaces valine, which is neutral and non-polar, with isoleucine, which is neutral and non-polar, at codon 554 of the SATB2 protein (p.Val554Ile). This variant is present in population databases (no rsID available, gnomAD 0.0009%). This variant has not been reported in the literature in individuals affected with SATB2-related conditions. ClinVar contains an entry for this variant (Variation ID: 581209). Invitae Evidence Modeling incorporating data from in vitro experimental studies (internal data) indicates that this missense variant is not expected to disrupt SATB2 function with a negative predictive value of 95%. In summary, the available evidence is currently insufficient to determine the role of this variant in disease. Therefore, it has been classified as a Variant of Uncertain Significance.

Ambry Genetics
Classification: Likely benign for Inborn genetic diseases. Last evaluated: 2023-09-26. Review status: criteria provided, single submitter. Criteria: Ambry Variant Classification Scheme 2023. Collection method: clinical testing. Allele origin: germline.

GeneDx
Classification: Uncertain significance. Last evaluated: 2019-04-03. Review status: criteria provided, single submitter. Criteria: GeneDx Variant Classification Process June 2021. Collection method: clinical testing. Allele origin: germline. Affected: yes.
Comment: In silico analysis, which includes protein predictors and evolutionary conservation, supports that this variant does not alter protein structure/function; Has not been previously published as pathogenic or benign to our knowledge